The following is an entry in ClinVar:

NM_032043.3(BRIP1):c.1767A>G (p.Leu589=)

Gene: BRIP1 (BRCA1 interacting DNA helicase 1; minus strand). Cytogenetic location: 17q23.2.
Variant type: single nucleotide variant.
Coding change: c.1767A>G on transcript NM_032043.3 (MANE Select); coding-DNA position 1767, A replaced by G.
Protein change: p.Leu589=; no amino-acid change (leucine 589 retained).
Molecular consequence: synonymous variant.
Genome position (GRCh38, 1-based): chr17:61,780,867, T>C on the plus strand (A>G on the coding strand, the complement: BRIP1 is on the minus strand). VCF-style: chr17-61780867-T-C. GRCh37 (hg19) VCF-style: chr17-59858228-T-C.
Identifiers: ClinVar variation 390287 (VCV000390287.18), dbSNP rs1057523711, ClinGen allele CA16607415.

ClinVar aggregate classification (germline): Benign/Likely benign. Review status: criteria provided, multiple submitters, no conflicts (2 of 4 stars). 6 submissions from 6 submitters: Benign (1); Likely benign (5). Last evaluated 2025-07-28.

Conditions:
Familial cancer of breast. Also called: BREAST CANCER, FAMILIAL; hereditary breast carcinoma; Hereditary breast cancer. Identifiers: Orphanet 227535, MedGen C0346153, MONDO:0016419, OMIM 114480. Disease mechanism: loss of function.
Fanconi anemia complementation group J. Also called: BRIP1-Related Fanconi Anemia. Identifiers: Orphanet 84, MedGen C1836860, MONDO:0012187, OMIM 609054.
Hereditary cancer-predisposing syndrome. Also called: Neoplastic Syndromes, Hereditary; Hereditary neoplastic syndrome; Tumor predisposition; Hereditary Cancer Syndrome. Identifiers: Orphanet 140162, MedGen C0027672, MeSH D009386, MONDO:0015356.

Submissions (6):

Color Diagnostics, LLC DBA Color Health
Classification: Likely benign for Hereditary cancer-predisposing syndrome. Last evaluated: 2025-07-28. Review status: criteria provided, single submitter. Criteria: ACMG Guidelines, 2015. Collection method: clinical testing. Allele origin: germline.

Center for Genomic Medicine, Rigshospitalet, Copenhagen University Hospital
Classification: Likely benign. Last evaluated: 2025-03-04. Review status: criteria provided, single submitter. Criteria: ACMG Guidelines, 2015. Collection method: clinical testing. Allele origin: germline.

Myriad Genetics, Inc.
Classification: Benign for Familial cancer of breast. Last evaluated: 2024-08-29. Review status: criteria provided, single submitter. Criteria: Myriad Autosomal Dominant, Autosomal Recessive and X-Linked Classification Criteria (2023). Collection method: clinical testing. Allele origin: unknown.
Comment: This variant is considered benign. This variant is a silent/synonymous amino acid change and it is not expected to impact splicing.

Labcorp Genetics (formerly Invitae), Labcorp
Classification: Likely benign for Familial cancer of breast; Fanconi anemia complementation group J. Last evaluated: 2021-01-30. Review status: criteria provided, single submitter. Criteria: Invitae Variant Classification Sherloc (09022015). Collection method: clinical testing. Allele origin: germline.

Ambry Genetics
Classification: Likely benign for Hereditary cancer-predisposing syndrome. Last evaluated: 2019-01-31. Review status: criteria provided, single submitter. Criteria: Ambry Variant Classification Scheme 2023. Collection method: clinical testing. Allele origin: germline.

GeneDx
Classification: Likely benign. Last evaluated: 2016-10-20. Review status: criteria provided, single submitter. Criteria: GeneDx Variant Classification (06012015). Collection method: clinical testing. Allele origin: germline. Affected: yes.
Comment: This variant is considered likely benign or benign based on one or more of the following criteria: it is a conservative change, it occurs at a poorly conserved position in the protein, it is predicted to be benign by multiple in silico algorithms, and/or has population frequency not consistent with disease.